The following is an entry in ClinVar:

NM_015450.3(POT1):c.1583C>A (p.Ser528Tyr)

Gene: POT1 (protection of telomeres 1; minus strand). Cytogenetic location: 7q31.33.
Variant type: single nucleotide variant.
Coding change: c.1583C>A on transcript NM_015450.3 (MANE Select); coding-DNA position 1583, C replaced by A.
Protein change: p.Ser528Tyr; replaces serine 528 with tyrosine.
Molecular consequence: missense variant. On other transcripts: non-coding transcript variant (2).
Genome position (GRCh38, 1-based): chr7:124,829,265, G>T on the plus strand (C>A on the coding strand, the complement: POT1 is on the minus strand). VCF-style: chr7-124829265-G-T. GRCh37 (hg19) VCF-style: chr7-124469319-G-T.
Other names: c.1190C>A, p.Ser397Tyr (NM_001042594.2); short protein forms S397Y, S528Y.
Identifiers: ClinVar variation 2833389 (VCV002833389.3), dbSNP rs2485352419, ClinGen allele CA369064331.

ClinVar aggregate classification (germline): Uncertain significance (1 of 4 stars; one submission).

Conditions:
Tumor predisposition syndrome 3 (TPDS3). Also called: Melanoma, cutaneous malignant, susceptibility to, 10; LONG TELOMERE SYNDROME, POT1-RELATED; POT1 Tumor Predisposition; Glioma susceptibility 9. Identifiers: Orphanet 618, MedGen C4014476, MONDO:0014368, OMIM 615848.

Submission:

Labcorp Genetics (formerly Invitae), Labcorp
Classification: Uncertain significance for Tumor predisposition syndrome 3. Last evaluated: 2023-02-01. Review status: criteria provided, single submitter. Criteria: Invitae Variant Classification Sherloc (09022015). Collection method: clinical testing. Allele origin: germline.
Comment: In summary, the available evidence is currently insufficient to determine the role of this variant in disease. Therefore, it has been classified as a Variant of Uncertain Significance. Advanced modeling of protein sequence and biophysical properties (such as structural, functional, and spatial information, amino acid conservation, physicochemical variation, residue mobility, and thermodynamic stability) performed at Invitae indicates that this missense variant is not expected to disrupt POT1 protein function. This variant has not been reported in the literature in individuals affected with POT1-related conditions. This variant is not present in population databases (gnomAD no frequency). This sequence change replaces serine, which is neutral and polar, with tyrosine, which is neutral and polar, at codon 528 of the POT1 protein (p.Ser528Tyr).